The following is an entry in ClinVar:

NM_000257.4(MYH7):c.1578+1G>A

Gene: MYH7 (myosin heavy chain 7; minus strand). Cytogenetic location: 14q11.2.
Variant type: single nucleotide variant.
Coding change: c.1578+1G>A on transcript NM_000257.4 (MANE Select); the canonical splice donor site of the intron after coding-DNA position 1578, G replaced by A.
Molecular consequence: splice donor variant.
Genome position (GRCh38, 1-based): chr14:23,428,499, C>T on the plus strand (G>A on the coding strand, the complement: MYH7 is on the minus strand). VCF-style: chr14-23428499-C-T. GRCh37 (hg19) VCF-style: chr14-23897708-C-T.
Other names: c.1578+1G>A (NM_001407004.1).
Identifiers: ClinVar variation 849860 (VCV000849860.13), dbSNP rs1892788026, ClinGen allele CA389050282.

ClinVar aggregate classification (germline): Uncertain significance. Review status: criteria provided, multiple submitters, no conflicts (2 of 4 stars). 3 submissions from 3 submitters: Uncertain significance (3). Last evaluated 2024-11-24.

Conditions:
Cardiovascular phenotype. Identifiers: MedGen CN230736.
Cardiomyopathy (CMYO). Also called: Cardiomyopathies. Identifiers: Orphanet 167848, MedGen C0878544, MONDO:0004994, HP:0001638. Inheritance: Various modes of inheritance.
Hypertrophic cardiomyopathy. Also called: HYPERTROPHIC MYOCARDIOPATHY. Identifiers: Orphanet 217569, MedGen C0007194, MeSH D002312, MONDO:0005045, HP:0001639.

Submissions (3):

Labcorp Genetics (formerly Invitae), Labcorp
Classification: Uncertain significance for Hypertrophic cardiomyopathy. Last evaluated: 2024-11-24. Review status: criteria provided, single submitter. Criteria: Invitae Variant Classification Sherloc (09022015). Collection method: clinical testing. Allele origin: germline.
Comment: This sequence change affects a donor splice site in intron 15 of the MYH7 gene. It is expected to disrupt RNA splicing. Variants that disrupt the donor or acceptor splice site typically lead to a loss of protein function (PMID: 16199547), however the current clinical and genetic evidence is not sufficient to establish whether loss-of-function variants in MYH7 cause disease. This variant is not present in population databases (gnomAD no frequency). Disruption of this splice site has been observed in individual(s) with dilated cardiomyopathy (PMID: 29892087). This variant is also known as c.526_+1G>A. ClinVar contains an entry for this variant (Variation ID: 849860). Algorithms developed to predict the effect of sequence changes on RNA splicing suggest that this variant may disrupt the consensus splice site. In summary, the available evidence is currently insufficient to determine the role of this variant in disease. Therefore, it has been classified as a Variant of Uncertain Significance.

Ambry Genetics
Classification: Uncertain significance for Cardiovascular phenotype. Last evaluated: 2019-10-23. Review status: criteria provided, single submitter. Criteria: Ambry Variant Classification Scheme 2023. Collection method: clinical testing. Allele origin: germline.
Comment: The c.1578+1G>A intronic variant results from a G to A substitution one nucleotide after coding exon 13 of the MYH7 gene. This variant has been detected in a dilated cardiomyopathy cohort; however, details were limited (Horvat C et al. Genet. Med., 2019 01;21:133-143). This nucleotide position is highly conserved in available vertebrate species. Using the BDGP and ESEfinder splice site prediction tools, this alteration is predicted to abolish the native splice donor site; however, direct evidence is unavailable. Alterations that disrupt the canonical splice site are expected to cause aberrant splicing, resulting in an abnormal protein or a transcript that is subject to nonsense-mediated mRNA decay. However, loss of function of MYH7 has not been clearly established as a mechanism of disease. Since supporting evidence is limited at this time, the clinical significance of this alteration remains unclear.

Color Diagnostics, LLC DBA Color Health
Classification: Uncertain significance for Cardiomyopathy. Last evaluated: 2019-09-30. Review status: criteria provided, single submitter. Criteria: ACMG Guidelines, 2015. Collection method: clinical testing. Allele origin: germline.
Comment: This variant causes a G>A nucleotide substitution at the +1 position of intron 15 of the MYH7 gene. Splice site prediction tools predict that this variant may have a significant impact on RNA splicing. To our knowledge, functional studies have not been performed for this variant. This variant has not been reported in individuals affected with cardiovascular disorders in the literature. This variant has not been identified in the general population by the Genome Aggregation Database (gnomAD). Clinical significance of loss-of-function MYH7 truncation and splice variants in autosomal dominant cardiovascular disorders is not clearly established. The available evidence is insufficient to determine the role of this variant in disease conclusively. Therefore, this variant is classified as a Variant of Uncertain Significance.

Literature cited by the submitters: PubMed 16199547 (cited by Labcorp Genetics (formerly Invitae), Labcorp); PubMed 29892087 (cited by Labcorp Genetics (formerly Invitae), Labcorp and Ambry Genetics).